The following is an entry in ClinVar:

NM_001849.4(COL6A2):c.2423-18_2423-17insCGGCCCGGCCCGGCCCGGCC

Gene: COL6A2 (collagen type VI alpha 2 chain; plus strand). Cytogenetic location: 21q22.3.
Variant type: Microsatellite.
Coding change: c.2423-18_2423-17insCGGCCCGGCCCGGCCCGGCC on transcript NM_001849.4 (MANE Select); 18 bases into the intron before coding-DNA position 2423 through 17 bases into the intron before coding-DNA position 2423, CGGCCCGGCCCGGCCCGGCC inserted.
Molecular consequence: intron variant.
Genome position: GRCh38 VCF-style: chr21-46126476-T-TGGCCCGGCCCGGCCCGGCCC. GRCh37 (hg19) VCF-style: chr21-47546390-T-TGGCCCGGCCCGGCCCGGCCC.
Other names: c.2423-18_2423-17insCGGCCCGGCCCGGCCCGGCC (NM_058175.3, NM_058174.3).
Identifiers: ClinVar variation 420369 (VCV000420369.32), dbSNP rs138363207, ClinGen allele CA10072600.

ClinVar aggregate classification (germline): Benign/Likely benign. Review status: criteria provided, multiple submitters, no conflicts (2 of 4 stars). 2 submissions from 2 submitters: Benign (1); Likely benign (1). Last evaluated 2026-09-01.

Submissions (2):

CeGaT Center for Human Genetics Tuebingen
Classification: Benign. Last evaluated: 2026-09-01. Review status: criteria provided, single submitter. Criteria: CeGaT Center For Human Genetics Tuebingen Variant Classification Criteria Version 2. Collection method: clinical testing. Allele origin: germline. Affected: yes. Observed: 27 variant alleles.
Comment: COL6A2: BS1, BS2

GeneDx
Classification: Likely benign. Last evaluated: 2017-10-16. Review status: criteria provided, single submitter. Criteria: GeneDx Variant Classification (06012015). Collection method: clinical testing. Allele origin: germline. Affected: yes.
Comment: This variant is considered likely benign or benign based on one or more of the following criteria: it is a conservative change, it occurs at a poorly conserved position in the protein, it is predicted to be benign by multiple in silico algorithms, and/or has population frequency not consistent with disease.